The following is an entry in ClinVar:

ClinVar aggregate classification (germline): Uncertain significance (1 of 4 stars; one submission).

Allele frequency attached by ClinVar (database versions not stated): TOPMed below 0.00001; gnomAD exomes 0.00001.
gnomAD v4.1: 5 of 1,614,246 alleles (0.00031%); highest among the groups gnomAD compares: Admixed American, 0.0083%; no homozygotes.

Submission:

Ambry Genetics
Classification: Uncertain significance. Last evaluated: 2023-02-20. Review status: criteria provided, single submitter. Criteria: Ambry Variant Classification Scheme 2023. Collection method: clinical testing. Allele origin: germline.
Comment: The p.Q1453R variant (also known as c.4358A>G), located in coding exon 4 of the ALPK2 gene, results from an A to G substitution at nucleotide position 4358. The glutamine at codon 1453 is replaced by arginine, an amino acid with highly similar properties. This amino acid position is conserved. In addition, this alteration is predicted to be tolerated by in silico analysis. Since supporting evidence is limited at this time, the clinical significance of this alteration remains unclear.

NM_052947.4(ALPK2):c.4358A>G (p.Gln1453Arg)

Genes: ALPK2 (alpha kinase 2; minus strand), LOC126862764 (BRD4-independent group 4 enhancer GRCh37_chr18:56202574-56203773; plus strand). Cytogenetic location: 18q21.31.
Variant type: single nucleotide variant.
Coding change: c.4358A>G on transcript NM_052947.4 (MANE Select); coding-DNA position 4358, A replaced by G.
Protein change: p.Gln1453Arg; replaces glutamine 1453 with arginine.
Molecular consequence: missense variant.
Genome position (GRCh38, 1-based): chr18:58,535,829, T>C on the plus strand (A>G on the coding strand, the complement: ALPK2 is on the minus strand). VCF-style: chr18-58535829-T-C. GRCh37 (hg19) VCF-style: chr18-56203061-T-C.
Other names: short protein forms Q1453R.
Identifiers: ClinVar variation 2450755 (VCV002450755.2), dbSNP rs1282436812, ClinGen allele CA402563008.